The following is an entry in ClinVar:

NM_015557.3(CHD5):c.3395G>A (p.Ser1132Asn)

Gene: CHD5 (chromodomain helicase DNA binding protein 5; minus strand). Cytogenetic location: 1p36.31.
Variant type: single nucleotide variant.
Coding change: c.3395G>A on transcript NM_015557.3 (MANE Select); coding-DNA position 3395, G replaced by A.
Protein change: p.Ser1132Asn; replaces serine 1132 with asparagine.
Molecular consequence: missense variant.
Genome position (GRCh38, 1-based): chr1:6,129,062, C>T on the plus strand (G>A on the coding strand, the complement: CHD5 is on the minus strand). VCF-style: chr1-6129062-C-T. GRCh37 (hg19) VCF-style: chr1-6189122-C-T.
Other names: short protein forms S1132N.
Identifiers: ClinVar variation 3336217 (VCV003336217.1).

ClinVar aggregate classification (germline): Uncertain significance (1 of 4 stars; one submission).

gnomAD v4.1: 6 of 1,600,952 alleles (0.00037%); highest among the groups gnomAD compares: Non-Finnish European, 0.00043%; no homozygotes.

Submission:

Women's Health and Genetics/Laboratory Corporation of America, LabCorp
Classification: Uncertain significance. Last evaluated: 2024-05-03. Review status: criteria provided, single submitter. Criteria: LabCorp Variant Classification Summary - May 2015. Collection method: clinical testing. Allele origin: germline.
Comment: Variant summary: CHD5 c.3395G>A (p.Ser1132Asn) results in a conservative amino acid change located in the Helicase, C-terminal domain-like domain (IPR001650) of the encoded protein sequence. Four of five in-silico tools predict a benign effect of the variant on protein function. The variant allele was found at a frequency of 8.2e-06 in 244008 control chromosomes. The available data on variant occurrences in the general population are insufficient to allow any conclusion about variant significance. To our knowledge, no occurrence of c.3395G>A in individuals affected with Parenti-Mignot Neurodevelopmental Syndrome and no experimental evidence demonstrating its impact on protein function have been reported. No submitters have cited clinical-significance assessments for this variant to ClinVar. Based on the evidence outlined above, the variant was classified as uncertain significance.